The following is an entry in ClinVar:

NM_001394477.1(FCGR2B):c.550C>T (p.Pro184Ser)

Gene: FCGR2B (Fc gamma receptor IIb; plus strand). Cytogenetic location: 1q23.3.
Variant type: single nucleotide variant.
Coding change: c.550C>T on transcript NM_001394477.1 (MANE Select); coding-DNA position 550, C replaced by T.
Protein change: p.Pro184Ser; replaces proline 184 with serine.
Molecular consequence: missense variant. On other transcripts: non-coding transcript variant (1).
Genome position (GRCh38, 1-based): chr1:161,673,133, C>T. VCF-style: chr1-161673133-C-T. GRCh37 (hg19) VCF-style: chr1-161642923-C-T.
Other names: c.547C>T, p.Pro183Ser (NM_001002273.3, NM_001002275.3); c.550C>T, p.Pro184Ser (NM_001002274.3, NM_001386003.1, NM_001386005.1 and 1 more transcripts); c.529C>T, p.Pro177Ser (NM_001190828.2, NM_001386001.1, NM_001386006.1); c.526C>T, p.Pro176Ser (NM_001386000.1, NM_001386002.1, NM_001386004.1); c.550C>T (NM_004001.4); short protein forms P176S, P177S, P183S, P184S.
Identifiers: ClinVar variation 1049520 (VCV001049520.2), dbSNP rs772853792, ClinGen allele CA1212776.

ClinVar aggregate classification (germline): Uncertain significance. Review status: criteria provided, single submitter (1 of 4 stars). 2 submissions from 2 submitters: Uncertain significance (1). 1 of the submissions does not count toward it. Last evaluated 2025-10-18.

Allele frequency attached by ClinVar (database versions not stated): ExAC 0.00002.

Submissions (2):

Ambry Genetics
Classification: Uncertain significance. Last evaluated: 2025-10-18. Review status: criteria provided, single submitter. Criteria: Ambry Variant Classification Scheme 2023. Collection method: clinical testing. Allele origin: germline.

Department of Pathology and Laboratory Medicine, Sinai Health System
Classification: Uncertain significance. Review status: no assertion criteria provided. Collection method: clinical testing. Allele origin: unknown. Affected: yes. Study: The Canadian Open Genetics Repository (COGR). Not counted in ClinVar's aggregate classification.
Comment: The FCGR2B p.Pro184Ser variant was not identified in the literature nor was it identified in ClinVar. The variant was identified in dbSNP (ID: rs772853792). The variant was identified in control databases in 2 of 276584 chromosomes at a frequency of 0.000007231 (Genome Aggregation Database March 6, 2019, v2.1.1). The variant was observed in the following populations: Other in 1 of 7080 chromosomes (freq: 0.000141), European (non-Finnish) in 1 of 126220 chromosomes (freq: 0.000008), but was not observed in the African, Latino, Ashkenazi Jewish, East Asian, European (Finnish), or South Asian populations. The p.Pro184 residue is not conserved in mammals and computational analyses (PolyPhen-2, SIFT, AlignGVGD, BLOSUM, MutationTaster) provide inconsistent predictions regarding the impact to the protein; this information is not very predictive of pathogenicity. The variant occurs outside of the splicing consensus sequence and in silico or computational prediction software programs (SpliceSiteFinder, MaxEntScan, NNSPLICE, GeneSplicer) do not predict a difference in splicing. In summary, based on the above information the clinical significance of this variant cannot be determined with certainty at this time. This variant is classified as a variant of uncertain significance.